The following is an entry in ClinVar:

ClinVar aggregate classification (germline): Uncertain significance (1 of 4 stars; one submission).

Submission:

Labcorp Genetics (formerly Invitae), Labcorp
Classification: Uncertain significance. Last evaluated: 2023-04-06. Review status: criteria provided, single submitter. Criteria: Invitae Variant Classification Sherloc (09022015). Collection method: clinical testing. Allele origin: germline.
Comment: Advanced modeling of protein sequence and biophysical properties (such as structural, functional, and spatial information, amino acid conservation, physicochemical variation, residue mobility, and thermodynamic stability) performed at Invitae indicates that this missense variant is not expected to disrupt EDNRA protein function. This sequence change replaces alanine, which is neutral and non-polar, with valine, which is neutral and non-polar, at codon 78 of the EDNRA protein (p.Ala78Val). This variant is not present in population databases (gnomAD no frequency). This variant has not been reported in the literature in individuals affected with EDNRA-related conditions. In summary, the available evidence is currently insufficient to determine the role of this variant in disease. Therefore, it has been classified as a Variant of Uncertain Significance.

NM_001957.4(EDNRA):c.233C>T (p.Ala78Val)

Gene: EDNRA (endothelin receptor type A; plus strand). Cytogenetic location: 4q31.22.
Variant type: single nucleotide variant.
Coding change: c.233C>T on transcript NM_001957.4 (MANE Select); coding-DNA position 233, C replaced by T.
Protein change: p.Ala78Val; replaces alanine 78 with valine.
Molecular consequence: missense variant. On other transcripts: non-coding transcript variant (1).
Genome position (GRCh38, 1-based): chr4:147,485,914, C>T. VCF-style: chr4-147485914-C-T. GRCh37 (hg19) VCF-style: chr4-148407066-C-T.
Other names: c.233C>T, p.Ala78Val (NM_001166055.2, NM_001354797.2); short protein forms A78V.
Identifiers: ClinVar variation 2834898 (VCV002834898.3), dbSNP rs2530292102, ClinGen allele CA358420781.
Genomic context (GRCh38, chr4:147,485,914, plus strand): 5'-TCCTACCCAGCAATGGCTCAATGCACAACTATTGCCCACAGCAGACTAAAATTACTTCAG[C>T]TTTCAAATACATTAACACTGTGATATCTTGTACTATTTTCATCGTGGGAATGGTGGGGAA-3'
Protein context (NP_001948.1, residues 68-88): YCPQQTKITS[Ala78Val]FKYINTVISC